The following is an entry in ClinVar:

ClinVar aggregate classification (germline): Uncertain significance (1 of 4 stars; one submission).

Conditions:
Pierson syndrome. Also called: MICROCORIA-CONGENITAL NEPHROTIC SYNDROME. Identifiers: Orphanet 2670, MedGen C1836876, MONDO:0012184, OMIM 609049.
LAMB2-related infantile-onset nephrotic syndrome. Also called: NEPHROTIC SYNDROME, TYPE 5, WITHOUT OCULAR ABNORMALITIES; NEPHROTIC SYNDROME, TYPE 5, WITH OCULAR ABNORMALITIES; Nephrotic Syndrome, type 5. Identifiers: Orphanet 306507, MedGen C3280113, MONDO:0013621, OMIM 614199.

Allele frequency attached by ClinVar (database versions not stated): TOPMed 0.00001; gnomAD 0.00002 and 0.00003; gnomAD exomes 0.00002 and 0.00005; ExAC 0.00006; ESP Exome Variant Server 0.00008.
gnomAD v4.1: 29 of 1,613,798 alleles (0.0018%); highest among the groups gnomAD compares: Admixed American, 0.0083%; no homozygotes.

Submission:

Labcorp Genetics (formerly Invitae), Labcorp
Classification: Uncertain significance for LAMB2-related infantile-onset nephrotic syndrome; Pierson syndrome. Last evaluated: 2021-09-01. Review status: criteria provided, single submitter. Criteria: Invitae Variant Classification Sherloc (09022015). Collection method: clinical testing. Allele origin: germline.
Comment: This sequence change replaces arginine with tryptophan at codon 957 of the LAMB2 protein (p.Arg957Trp). The arginine residue is weakly conserved and there is a moderate physicochemical difference between arginine and tryptophan. This variant is present in population databases (rs372148651, ExAC 0.02%). This variant has not been reported in the literature in individuals affected with LAMB2-related conditions. Algorithms developed to predict the effect of missense changes on protein structure and function output the following: SIFT: "Deleterious"; PolyPhen-2: "Benign"; Align-GVGD: "Class C0". The tryptophan amino acid residue is found in multiple mammalian species, which suggests that this missense change does not adversely affect protein function. In summary, the available evidence is currently insufficient to determine the role of this variant in disease. Therefore, it has been classified as a Variant of Uncertain Significance.

NM_002292.4(LAMB2):c.2869C>T (p.Arg957Trp)

Gene: LAMB2 (laminin subunit beta 2; minus strand). Cytogenetic location: 3p21.31.
Variant type: single nucleotide variant.
Coding change: c.2869C>T on transcript NM_002292.4 (MANE Select); coding-DNA position 2869, C replaced by T.
Protein change: p.Arg957Trp; replaces arginine 957 with tryptophan.
Molecular consequence: missense variant.
Genome position (GRCh38, 1-based): chr3:49,125,021, G>A on the plus strand (C>T on the coding strand, the complement: LAMB2 is on the minus strand). VCF-style: chr3-49125021-G-A. GRCh37 (hg19) VCF-style: chr3-49162454-G-A.
Other names: short protein forms R957W.
Identifiers: ClinVar variation 1356377 (VCV001356377.5), dbSNP rs372148651, ClinGen allele CA2394193.
Genomic context (GRCh38, chr3:49,125,021, plus strand): 5'-CCCAGCCAACTCACCCTGATCCCACGCCTGCCCCCATCCACTCACCCGTATAGCCTGCCC[G>A]GCAGTGGCACACAATCTGCTGGGAATATTCATCCTGGTGGCAAGAAGTAGCAAAGTGCCG-3'
Protein context (NP_002283.3, residues 947-967): EYSQQIVCHC[Arg957Trp]AGYTGLRCEA